The following is an entry in ClinVar:

ClinVar aggregate classification (germline): Uncertain significance. Review status: criteria provided, multiple submitters, no conflicts (2 of 4 stars). 2 submissions from 2 submitters: Uncertain significance (2). Last evaluated 2025-12-22.

Allele frequency attached by ClinVar (database versions not stated): gnomAD exomes 0.00002 and 0.00001; TOPMed below 0.00001; ExAC 0.00001.
gnomAD v4.1: 12 of 1,613,032 alleles (0.00074%); highest among the groups gnomAD compares: Middle Eastern, 0.033%; no homozygotes.

Submissions (2):

Labcorp Genetics (formerly Invitae), Labcorp
Classification: Uncertain significance. Last evaluated: 2025-12-22. Review status: criteria provided, single submitter. Criteria: Invitae Variant Classification Sherloc (09022015). Collection method: clinical testing. Allele origin: germline.
Comment: This sequence change replaces asparagine, which is neutral and polar, with serine, which is neutral and polar, at codon 227 of the CHRM2 protein (p.Asn227Ser). This variant is present in population databases (rs760821552, gnomAD 0.01%). This variant has not been reported in the literature in individuals affected with CHRM2-related conditions. ClinVar contains an entry for this variant (Variation ID: 1037345). An algorithm developed to predict the effect of missense changes on protein structure and function outputs the following: PolyPhen-2: "Benign". The serine amino acid residue is found in multiple mammalian species, which suggests that this missense change does not adversely affect protein function. In summary, the available evidence is currently insufficient to determine the role of this variant in disease. Therefore, it has been classified as a Variant of Uncertain Significance.

Ambry Genetics
Classification: Uncertain significance. Last evaluated: 2025-10-22. Review status: criteria provided, single submitter. Criteria: Ambry Variant Classification Scheme 2023. Collection method: clinical testing. Allele origin: germline.

NM_001006630.2(CHRM2):c.680A>G (p.Asn227Ser)

Genes: CHRM2 (cholinergic receptor muscarinic 2; plus strand), LOC349160 (uncharacterized LOC349160; minus strand). Cytogenetic location: 7q33.
Variant type: single nucleotide variant.
Coding change: c.680A>G on transcript NM_001006630.2 (MANE Select); coding-DNA position 680, A replaced by G.
Protein change: p.Asn227Ser; replaces asparagine 227 with serine.
Molecular consequence: missense variant.
Genome position (GRCh38, 1-based): chr7:137,015,545, A>G. VCF-style: chr7-137015545-A-G. GRCh37 (hg19) VCF-style: chr7-136700292-A-G.
Other names: c.680A>G, p.Asn227Ser (NM_000739.3, NM_001006626.3, NM_001006627.3 and 6 more transcripts); c.680A>G (NM_000739.2); short protein forms N227S.
Identifiers: ClinVar variation 1037345 (VCV001037345.9), dbSNP rs760821552, ClinGen allele CA4500556.